The following is an entry in ClinVar:

NM_002336.3(LRP6):c.1288A>G (p.Thr430Ala)

Gene: LRP6 (LDL receptor related protein 6; minus strand). Cytogenetic location: 12p13.2.
Variant type: single nucleotide variant.
Coding change: c.1288A>G on transcript NM_002336.3 (MANE Select); coding-DNA position 1288, A replaced by G.
Protein change: p.Thr430Ala; replaces threonine 430 with alanine.
Molecular consequence: missense variant.
Genome position (GRCh38, 1-based): chr12:12,181,128, T>C on the plus strand (A>G on the coding strand, the complement: LRP6 is on the minus strand). VCF-style: chr12-12181128-T-C. GRCh37 (hg19) VCF-style: chr12-12334062-T-C.
Other names: short protein forms T430A.
Identifiers: ClinVar variation 1316032 (VCV001316032.4), dbSNP rs770078803, ClinGen allele CA232999469.

ClinVar aggregate classification (germline): Uncertain significance. Review status: criteria provided, multiple submitters, no conflicts (2 of 4 stars). 2 submissions from 2 submitters: Uncertain significance (2). Last evaluated 2025-11-23.

Allele frequency attached by ClinVar (database versions not stated): gnomAD exomes 0.00002 and 0.00004; gnomAD 0.00006; TOPMed 0.00005.
gnomAD v4.1: 65 of 1,614,006 alleles (0.004%); highest among the groups gnomAD compares: African/African-American, 0.0093%; no homozygotes.

Submissions (2):

Labcorp Genetics (formerly Invitae), Labcorp
Classification: Uncertain significance. Last evaluated: 2025-11-23. Review status: criteria provided, single submitter. Criteria: Invitae Variant Classification Sherloc (09022015). Collection method: clinical testing. Allele origin: germline.
Comment: This sequence change replaces threonine, which is neutral and polar, with alanine, which is neutral and non-polar, at codon 430 of the LRP6 protein (p.Thr430Ala). This variant is present in population databases (rs770078803, gnomAD 0.008%). This variant has not been reported in the literature in individuals affected with LRP6-related conditions. ClinVar contains an entry for this variant (Variation ID: 1316032). Invitae Evidence Modeling of protein sequence and biophysical properties (such as structural, functional, and spatial information, amino acid conservation, physicochemical variation, residue mobility, and thermodynamic stability) indicates that this missense variant is not expected to disrupt LRP6 protein function with a negative predictive value of 80%. In summary, the available evidence is currently insufficient to determine the role of this variant in disease. Therefore, it has been classified as a Variant of Uncertain Significance.

GeneDx
Classification: Uncertain significance. Last evaluated: 2019-09-16. Review status: criteria provided, single submitter. Criteria: GeneDx Variant Classification Process June 2021. Collection method: clinical testing. Allele origin: germline. Affected: yes.
Comment: In silico analysis, which includes protein predictors and evolutionary conservation, supports that this variant does not alter protein structure/function; Has not been previously published as pathogenic or benign to our knowledge